The following is an entry in ClinVar:

NM_025137.4(SPG11):c.220_221del (p.Gly74fs)

Gene: SPG11 (SPG11 vesicle trafficking associated, spatacsin; minus strand). Cytogenetic location: 15q21.1.
Variant type: Deletion.
Coding change: c.220_221del on transcript NM_025137.4 (MANE Select); coding-DNA positions 220 to 221, 2 bases deleted (GG; older notation c.220_221delGG).
Protein change: p.Gly74fs; shifts the reading frame from glycine 74.
Molecular consequence: frameshift variant.
Genome position (GRCh38, 1-based): chr15:44,663,427-44,663,428, CC deleted on the plus strand (GG on the coding strand, the reverse complement: SPG11 is on the minus strand); deleting any 2 consecutive bases within chr15:44,663,427-44,663,430 gives the same sequence; the c. name uses the placement nearest the transcript's 3' end. VCF-style (leftmost placement, unchanged base first): chr15-44663426-GCC-G. GRCh37 (hg19) VCF-style: chr15-44955624-GCC-G.
Other names: c.220_221del, p.Gly74fs (NM_001160227.2, NM_001411132.1); short protein forms G74fs.
Identifiers: ClinVar variation 3633164 (VCV003633164.2).

ClinVar aggregate classification (germline): Pathogenic (1 of 4 stars; one submission).

Conditions:
Hereditary spastic paraplegia 11. Also called: SPASTIC PARAPLEGIA, AUTOSOMAL RECESSIVE, COMPLICATED, WITH THIN CORPUS CALLOSUM; SPASTIC PARAPLEGIA, AUTOSOMAL RECESSIVE, WITH MENTAL IMPAIRMENT AND THIN CORPUS CALLOSUM; Nakamura Osame syndrome; Autosomal recessive hereditary spastic paraplegia, mental impairment, and thin corpus callosum; Spastic paraplegia, mental retardation and thin corpus callosum; Spastic Paraplegia 11. Identifiers: Orphanet 2822, MedGen C1858479, MONDO:0011445, OMIM 604360.

Submission:

Labcorp Genetics (formerly Invitae), Labcorp
Classification: Pathogenic for Hereditary spastic paraplegia 11. Last evaluated: 2024-01-31. Review status: criteria provided, single submitter. Criteria: Invitae Variant Classification Sherloc (09022015). Collection method: clinical testing. Allele origin: germline.
Comment: This sequence change creates a premature translational stop signal (p.Gly74Argfs*20) in the SPG11 gene. It is expected to result in an absent or disrupted protein product. Loss-of-function variants in SPG11 are known to be pathogenic (PMID: 19105190, 20110243, 22154821, 26556829). This variant is not present in population databases (gnomAD no frequency). This variant has not been reported in the literature in individuals affected with SPG11-related conditions. For these reasons, this variant has been classified as Pathogenic.

Literature cited by the submitters: PubMed 19105190; PubMed 20110243; PubMed 22154821; PubMed 26556829.